The following is an entry in ClinVar:

ClinVar aggregate classification (germline): Likely benign (1 of 4 stars; one submission).

Submission:

CeGaT Center for Human Genetics Tuebingen
Classification: Likely benign. Last evaluated: 2025-09-01. Review status: criteria provided, single submitter. Criteria: CeGaT Center For Human Genetics Tuebingen Variant Classification Criteria Version 2. Collection method: clinical testing. Allele origin: germline. Affected: yes. Observed: 1 variant allele.
Comment: FLG: PM2:Supporting, BP4, BP7

NM_002016.2(FLG):c.4674G>C (p.Gly1558=)

Genes: CCDST (cervical cancer associated DHX9 suppressive transcript; plus strand), FLG (filaggrin; minus strand). Cytogenetic location: 1q21.3.
Variant type: single nucleotide variant.
Coding change: c.4674G>C on transcript NM_002016.2 (MANE Select); coding-DNA position 4674, G replaced by C.
Protein change: p.Gly1558=; no amino-acid change (glycine 1558 retained).
Molecular consequence: synonymous variant.
Genome position (GRCh38, 1-based): chr1:152,310,212, C>G on the plus strand (G>C on the coding strand, the complement: FLG is on the minus strand). VCF-style: chr1-152310212-C-G. GRCh37 (hg19) VCF-style: chr1-152282688-C-G.
Identifiers: ClinVar variation 4281076 (VCV004281076.7).